The following is an entry in ClinVar:

NM_007194.4(CHEK2):c.1260-5T>G

Gene: CHEK2 (checkpoint kinase 2; minus strand). Cytogenetic location: 22q12.1.
Variant type: single nucleotide variant.
Coding change: c.1260-5T>G on transcript NM_007194.4 (MANE Select); 5 bases into the intron before coding-DNA position 1260, T replaced by G.
Molecular consequence: intron variant.
Genome position (GRCh38, 1-based): chr22:28,695,247, A>C on the plus strand (T>G on the coding strand, the complement: CHEK2 is on the minus strand). VCF-style: chr22-28695247-A-C. GRCh37 (hg19) VCF-style: chr22-29091235-A-C.
Other names: c.597-5T>G (NM_001437942.1, NM_001257387.3); c.1059-5T>G (NM_001349956.3); c.1173-5T>G (NM_145862.3); c.1266-5T>G (NM_001438295.1); c.1353-5T>G (NM_001438293.1); c.1302-5T>G (NM_001438294.1); c.1389-5T>G (NM_001005735.3).
Identifiers: ClinVar variation 1433209 (VCV001433209.10), dbSNP rs2052526695, ClinGen allele CA2573157945.
Genomic context (GRCh38, chr22:28,695,247, plus strand): 5'-GATCCTTCAGTGACACTTGAGTCCTATGCTCAGAGAAAGGTGGATACCCACTAAGGCTTA[A>C]TATTGGTAGAGAGAGAAAGGAAAAGAAATCAAGTGGCATTCTCAGTGGCATTCAGATATA-3'

ClinVar aggregate classification (germline): Uncertain significance. Review status: criteria provided, multiple submitters, no conflicts (2 of 4 stars). 2 submissions from 2 submitters: Uncertain significance (2). Last evaluated 2025-01-24.

Conditions:
Hereditary cancer-predisposing syndrome. Also called: Hereditary Cancer Syndrome; Hereditary neoplastic syndrome; Neoplastic Syndromes, Hereditary; Tumor predisposition. Identifiers: Orphanet 140162, MedGen C0027672, MeSH D009386, MONDO:0015356.
Familial cancer of breast. Also called: BREAST CANCER, FAMILIAL; Hereditary breast cancer; hereditary breast carcinoma. Identifiers: Orphanet 227535, MedGen C0346153, MONDO:0016419, OMIM 114480. Disease mechanism: loss of function.

Submissions (2):

Ambry Genetics
Classification: Uncertain significance for Hereditary cancer-predisposing syndrome. Last evaluated: 2025-01-24. Review status: criteria provided, single submitter. Criteria: Ambry Variant Classification Scheme 2023. Collection method: clinical testing. Allele origin: germline.
Comment: The c.1260-5T>G intronic variant results from a T to G substitution 5 nucleotides upstream from coding exon 11 in the CHEK2 gene. This nucleotide position is highly conserved in available vertebrate species. In silico splice site analysis predicts that this alteration will weaken the native splice acceptor site and will result in the creation or strengthening of a novel splice acceptor site. Based on the available evidence, the clinical significance of this variant remains unclear.

Labcorp Genetics (formerly Invitae), Labcorp
Classification: Uncertain significance for Familial cancer of breast. Last evaluated: 2021-02-22. Review status: criteria provided, single submitter. Criteria: Invitae Variant Classification Sherloc (09022015). Collection method: clinical testing. Allele origin: germline.
Comment: In summary, the available evidence is currently insufficient to determine the role of this variant in disease. Therefore, it has been classified as a Variant of Uncertain Significance. Algorithms developed to predict the effect of sequence changes on RNA splicing suggest that this variant may disrupt the consensus splice site, but this prediction has not been confirmed by published transcriptional studies. This variant has not been reported in the literature in individuals with CHEK2-related conditions. This variant is not present in population databases (ExAC no frequency). This sequence change falls in intron 11 of the CHEK2 gene. It does not directly change the encoded amino acid sequence of the CHEK2 protein.